The following is an entry in ClinVar:

NM_001164508.2(NEB):c.22991A>C (p.Lys7664Thr)

Genes: NEB (nebulin; minus strand), RIF1 (replication timing regulatory factor 1; plus strand). Cytogenetic location: 2q23.3.
Variant type: single nucleotide variant.
Coding change: c.22991A>C on transcript NM_001164508.2 (MANE Select); coding-DNA position 22991, A replaced by C.
Protein change: p.Lys7664Thr; replaces lysine 7664 with threonine.
Molecular consequence: missense variant.
Genome position (GRCh38, 1-based): chr2:151,514,843, T>G on the plus strand (A>C on the coding strand, the complement: NEB is on the minus strand). VCF-style: chr2-151514843-T-G. GRCh37 (hg19) VCF-style: chr2-152371357-T-G.
Other names: c.22991A>C, p.Lys7664Thr (NM_001164507.2); c.23096A>C, p.Lys7699Thr (NM_001271208.2); c.17888A>C, p.Lys5963Thr (NM_004543.5); short protein forms K5963T, K7664T, K7699T.
Identifiers: ClinVar variation 2099222 (VCV002099222.1), dbSNP rs2552081098, ClinGen allele CA348754150.
Genomic context (GRCh38, chr2:151,514,843, plus strand): 5'-ATTAAGAGGGAAAGAAAAGACCAAGTGGGCACTACCTCGCTTGCTATTTTAGTTGCATAT[T>G]TGACATGTAACAAAGCTGGCGTGACCTCCAGGCCAGTCAGGTTTCTGCCTTTAATGGACT-3'
Protein context (NP_001157980.2, residues 7654-7674): LEVTPALLHV[Lys7664Thr]YATKIASEKE

ClinVar aggregate classification (germline): Uncertain significance (1 of 4 stars; one submission).

Conditions:
Nemaline myopathy 2 (NEM2). Also called: Nemaline myopathy 2, autosomal recessive. Identifiers: MedGen C1850569, MONDO:0009725, OMIM 256030.

Submission:

Labcorp Genetics (formerly Invitae), Labcorp
Classification: Uncertain significance for Nemaline myopathy 2. Last evaluated: 2022-02-19. Review status: criteria provided, single submitter. Criteria: Invitae Variant Classification Sherloc (09022015). Collection method: clinical testing. Allele origin: germline.
Comment: This sequence change replaces lysine, which is basic and polar, with threonine, which is neutral and polar, at codon 7699 of the NEB protein (p.Lys7699Thr). This variant is not present in population databases (gnomAD no frequency). This variant has not been reported in the literature in individuals affected with NEB-related conditions. Algorithms developed to predict the effect of missense changes on protein structure and function are either unavailable or do not agree on the potential impact of this missense change (SIFT: "Deleterious"; PolyPhen-2: "Not Available"; Align-GVGD: "Class C0"). In summary, the available evidence is currently insufficient to determine the role of this variant in disease. Therefore, it has been classified as a Variant of Uncertain Significance.